The following is an entry in ClinVar:

NM_182961.4(SYNE1):c.5269A>G (p.Ile1757Val)

Gene: SYNE1 (spectrin repeat containing nuclear envelope protein 1; minus strand). Cytogenetic location: 6q25.2.
Variant type: single nucleotide variant.
Coding change: c.5269A>G on transcript NM_182961.4 (MANE Select); coding-DNA position 5269, A replaced by G.
Protein change: p.Ile1757Val; replaces isoleucine 1757 with valine.
Molecular consequence: missense variant.
Genome position (GRCh38, 1-based): chr6:152,419,721, T>C on the plus strand (A>G on the coding strand, the complement: SYNE1 is on the minus strand). VCF-style: chr6-152419721-T-C. GRCh37 (hg19) VCF-style: chr6-152740856-T-C.
Other names: c.5290A>G, p.Ile1764Val (NM_033071.5); short protein forms I1757V, I1764V.
Identifiers: ClinVar variation 618405 (VCV000618405.8), dbSNP rs1196594228, ClinGen allele CA366136486.

ClinVar aggregate classification (germline): Uncertain significance (1 of 4 stars; one submission).

Submission:

ARUP Laboratories, Molecular Genetics and Genomics, ARUP Laboratories
Classification: Uncertain significance. Last evaluated: 2017-08-07. Review status: criteria provided, single submitter. Criteria: ARUP Molecular Germline Variant Investigation Process. Collection method: clinical testing. Allele origin: germline.
Comment: The c.5290A>G; p.Ile1764Val variant has not been reported in the medical literature, gene specific variation databases, nor has it been previously identified by our laboratory. It is absent from general population databases such as 1000 Genomes, NHLBI GO Exome Sequencing Project (ESP), and the Genome Aggregation Database (gnomAD). The isoleucine at position 1764 is moderately conserved and computational analyses of the effects of the p.Ile1764Val variant on protein structure and function indicates no deleterious effect (SIFT: tolerated, MutationTaster: polymorphism, PolyPhen-2: benign). Altogether, there is not enough evidence to classify the p.Ile1764Val variant with certainty.